The following is an entry in ClinVar:

NM_033118.4(MYLK2):c.576G>C (p.Lys192Asn)

Gene: MYLK2 (myosin light chain kinase 2; plus strand). Cytogenetic location: 20q11.21.
Variant type: single nucleotide variant.
Coding change: c.576G>C on transcript NM_033118.4 (MANE Select); coding-DNA position 576, G replaced by C.
Protein change: p.Lys192Asn; replaces lysine 192 with asparagine.
Molecular consequence: missense variant.
Genome position (GRCh38, 1-based): chr20:31,821,541, G>C. VCF-style: chr20-31821541-G-C. GRCh37 (hg19) VCF-style: chr20-30409344-G-C.
Other names: short protein forms K192N.
Identifiers: ClinVar variation 2787577 (VCV002787577.3), dbSNP rs6060968, ClinGen allele CA408525903.

ClinVar aggregate classification (germline): Uncertain significance (1 of 4 stars; one submission).

Conditions:
Hypertrophic cardiomyopathy 1 (CMH1). Also called: MYH7-Related Familial Hypertrophic Cardiomyopathy; Familial hypertrophic cardiomyopathy 1. Identifiers: MedGen C3495498, MONDO:0008647, OMIM 192600.

Allele frequency attached by ClinVar (database versions not stated): gnomAD exomes below 0.00001; gnomAD 0.00001; TOPMed 0.00001.
gnomAD v4.1: 2 of 1,613,968 alleles (0.00012%); highest among the groups gnomAD compares: African/African-American, 0.0027%; no homozygotes.

Submission:

Labcorp Genetics (formerly Invitae), Labcorp
Classification: Uncertain significance for Hypertrophic cardiomyopathy 1. Last evaluated: 2023-07-27. Review status: criteria provided, single submitter. Criteria: Invitae Variant Classification Sherloc (09022015). Collection method: clinical testing. Allele origin: germline.
Comment: This sequence change replaces lysine, which is basic and polar, with asparagine, which is neutral and polar, at codon 192 of the MYLK2 protein (p.Lys192Asn). This variant is not present in population databases (gnomAD no frequency). This variant has not been reported in the literature in individuals affected with MYLK2-related conditions. Advanced modeling of protein sequence and biophysical properties (such as structural, functional, and spatial information, amino acid conservation, physicochemical variation, residue mobility, and thermodynamic stability) performed at Invitae indicates that this missense variant is not expected to disrupt MYLK2 protein function. In summary, the available evidence is currently insufficient to determine the role of this variant in disease. Therefore, it has been classified as a Variant of Uncertain Significance.